The following is an entry in ClinVar:

NM_016239.4(MYO15A):c.439G>T (p.Glu147Ter)

Gene: MYO15A (myosin XVA; plus strand). Cytogenetic location: 17p11.2.
Variant type: single nucleotide variant.
Coding change: c.439G>T on transcript NM_016239.4 (MANE Select); coding-DNA position 439, G replaced by T.
Protein change: p.Glu147Ter; replaces glutamic acid 147 with a stop codon.
Molecular consequence: nonsense.
Genome position (GRCh38, 1-based): chr17:18,119,239, G>T. VCF-style: chr17-18119239-G-T. GRCh37 (hg19) VCF-style: chr17-18022553-G-T.
Other names: short protein forms E147*.
Identifiers: ClinVar variation 3063738 (VCV003063738.3), dbSNP rs779440022, ClinGen allele CA398573050.

ClinVar aggregate classification (germline): Pathogenic/Likely pathogenic. Review status: criteria provided, multiple submitters, no conflicts (2 of 4 stars). 2 submissions from 2 submitters: Pathogenic (1); Likely pathogenic (1). Last evaluated 2024-01-31.

Conditions:
Autosomal recessive nonsyndromic hearing loss 3. Also called: NEUROSENSORY NONSYNDROMIC RECESSIVE DEAFNESS 3. Identifiers: Orphanet 90636, MedGen C1838263, MONDO:0010860, OMIM 600316.

Submissions (2):

Women's Health and Genetics/Laboratory Corporation of America, LabCorp
Classification: Pathogenic for Autosomal recessive nonsyndromic hearing loss 3. Last evaluated: 2024-01-31. Review status: criteria provided, single submitter. Criteria: LabCorp Variant Classification Summary - May 2015. Collection method: clinical testing. Allele origin: germline.
Comment: Variant summary: MYO15A c.439G>T (p.Glu147X) results in a premature termination codon, predicted to cause absence of the protein due to nonsense mediated decay, which is a commonly known mechanism for disease. The variant was absent in 240628 control chromosomes. To our knowledge, no occurrence of c.439G>T in individuals affected with Autosomal Recessive Nonsyndromic Hearing Loss 3 and no experimental evidence demonstrating its impact on protein function have been reported. No submitters have cited clinical-significance assessments for this variant to ClinVar. Based on the evidence outlined above, the variant was classified as pathogenic.

Juno Genomics, Hangzhou Juno Genomics, Inc
Classification: Likely pathogenic for Autosomal recessive nonsyndromic hearing loss 3. Review status: criteria provided, single submitter. Criteria: ACMG Guidelines, 2015. Collection method: clinical testing. Allele origin: germline.
Comment: Null variant in a gene where loss of function (LOF) is a known mechanism of disease.;Absent from controls (or at extremely low frequency if recessive) in Genome Aggregation Database.